The following is an entry in ClinVar:

ClinVar aggregate classification (germline): Uncertain significance (1 of 4 stars; one submission).

Conditions:
Cardiomyopathy (CMYO). Also called: Cardiomyopathies. Identifiers: Orphanet 167848, MedGen C0878544, MONDO:0004994, HP:0001638. Inheritance: Various modes of inheritance.

Submission:

Color Diagnostics, LLC DBA Color Health
Classification: Uncertain significance for Cardiomyopathy. Last evaluated: 2025-06-23. Review status: criteria provided, single submitter. Criteria: ACMG Guidelines, 2015. Collection method: clinical testing. Allele origin: germline.
Comment: This missense variant replaces leucine with valine at codon 1021 of the DSP protein. Computational prediction is inconclusive regarding the impact of this variant on protein structure and function. To our knowledge, functional studies have not been reported for this variant. This variant has not been reported in individuals affected with DSP-related disorders in the literature. This variant has not been identified in the general population by the Genome Aggregation Database (gnomAD). The available evidence is insufficient to determine the role of this variant in disease conclusively. Therefore, this variant is classified as a Variant of Uncertain Significance.

NM_004415.4(DSP):c.3061C>G (p.Leu1021Val)

Gene: DSP (desmoplakin; plus strand). Cytogenetic location: 6p24.3.
Variant type: single nucleotide variant.
Coding change: c.3061C>G on transcript NM_004415.4 (MANE Select); coding-DNA position 3061, C replaced by G.
Protein change: p.Leu1021Val; replaces leucine 1021 with valine.
Molecular consequence: missense variant.
Genome position (GRCh38, 1-based): chr6:7,578,539, C>G. VCF-style: chr6-7578539-C-G. GRCh37 (hg19) VCF-style: chr6-7578772-C-G.
Other names: c.3061C>G, p.Leu1021Val (NM_001008844.3, NM_001319034.2); short protein forms L1021V.
Identifiers: ClinVar variation 4757038 (VCV004757038.1).
Genomic context (GRCh38, chr6:7,578,539, plus strand): 5'-GCTCGGTACATTGAACTACTTACAAGATCTGGAGACTATTACAGGTTCTTAAGTGAGATG[C>G]TGAAGAGTTTGGAAGATCTGAAGGTAATTTATACTGTCTTTTCTTGTAGCGTCAAAAAAG-3'
Protein context (NP_004406.2, residues 1011-1031): GDYYRFLSEM[Leu1021Val]KSLEDLKLKN